The following is an entry in ClinVar:

ClinVar aggregate classification (germline): Uncertain significance (1 of 4 stars; one submission).

Conditions:
Cardiovascular phenotype. Identifiers: MedGen CN230736.
Hereditary cancer-predisposing syndrome. Also called: Neoplastic Syndromes, Hereditary; Tumor predisposition; Hereditary neoplastic syndrome; Hereditary Cancer Syndrome. Identifiers: Orphanet 140162, MedGen C0027672, MeSH D009386, MONDO:0015356.

Submission:

Ambry Genetics
Classification: Uncertain significance for Cardiovascular phenotype; Hereditary cancer-predisposing syndrome. Last evaluated: 2025-05-20. Review status: criteria provided, single submitter. Criteria: Ambry Variant Classification Scheme 2023. Collection method: clinical testing. Allele origin: germline.
Comment: The p.G2478C variant (also known as c.7432G>T), located in coding exon 50 of the NF1 gene, results from a G to T substitution at nucleotide position 7432. The glycine at codon 2478 is replaced by cysteine, an amino acid with highly dissimilar properties. This amino acid position is conserved. In addition, this alteration is predicted to be tolerated by in silico analysis. Based on the available evidence, the clinical significance of this variant remains unclear.

NM_001042492.3(NF1):c.7495G>T (p.Gly2499Cys)

Gene: NF1 (neurofibromin 1; plus strand). Cytogenetic location: 17q11.2.
Variant type: single nucleotide variant.
Coding change: c.7495G>T on transcript NM_001042492.3 (MANE Select); coding-DNA position 7495, G replaced by T.
Protein change: p.Gly2499Cys; replaces glycine 2499 with cysteine.
Molecular consequence: missense variant.
Genome position (GRCh38, 1-based): chr17:31,352,294, G>T. VCF-style: chr17-31352294-G-T. GRCh37 (hg19) VCF-style: chr17-29679312-G-T.
Other names: c.7432G>T, p.Gly2478Cys (NM_000267.4); short protein forms G2478C, G2499C.
Identifiers: ClinVar variation 4032242 (VCV004032242.1).